The following is an entry in ClinVar:

NM_000368.5(TSC1):c.2625+1G>T

Gene: TSC1 (TSC complex subunit 1; minus strand). Cytogenetic location: 9q34.13.
Variant type: single nucleotide variant.
Coding change: c.2625+1G>T on transcript NM_000368.5 (MANE Select); the canonical splice donor site of the intron after coding-DNA position 2625, G replaced by T.
Molecular consequence: splice donor variant.
Genome position (GRCh38, 1-based): chr9:132,900,714, C>A on the plus strand (G>T on the coding strand, the complement: TSC1 is on the minus strand). VCF-style: chr9-132900714-C-A. GRCh37 (hg19) VCF-style: chr9-135776101-C-A.
Other names: c.2259+1G>T (NM_001406620.1, NM_001406621.1, NM_001406622.1 and 1 more transcripts); c.2262+1G>T (NM_001406618.1, NM_001406617.1, NM_001406619.1 and 4 more transcripts); c.2217+1G>T (NM_001406625.1); c.2427+1G>T (NM_001406613.1); c.2469+1G>T (NM_001406612.1, NM_001406611.1); c.2472+1G>T (NM_001406610.1, NM_001162427.2); c.1671+1G>T (NM_001406627.1, NM_001406628.1); c.1572+1G>T (NM_001406629.1, NM_001406630.1); and 8 more.
Identifiers: ClinVar variation 2814986 (VCV002814986.3), dbSNP rs118203715, ClinGen allele CA375369814.

ClinVar aggregate classification (germline): Uncertain significance (1 of 4 stars; one submission).

Conditions:
Tuberous sclerosis 1 (TSC1). Identifiers: Orphanet 805, MedGen C1854465, MONDO:0008612, OMIM 191100.

Submission:

Labcorp Genetics (formerly Invitae), Labcorp
Classification: Uncertain significance for Tuberous sclerosis 1. Last evaluated: 2022-11-17. Review status: criteria provided, single submitter. Criteria: Invitae Variant Classification Sherloc (09022015). Collection method: clinical testing. Allele origin: germline.
Comment: This variant has not been reported in the literature in individuals affected with TSC1-related conditions. This variant is not present in population databases (gnomAD no frequency). This sequence change affects a donor splice site in intron 20 of the TSC1 gene. RNA analysis indicates that disruption of this splice site induces altered splicing and likely results in a shortened protein product. Studies have shown that disruption of this splice site results in skipping of exon 20, but is expected to preserve the integrity of the reading-frame (Invitae). In summary, the available evidence is currently insufficient to determine the role of this variant in disease. Therefore, it has been classified as a Variant of Uncertain Significance.